The following is an entry in ClinVar:

NM_021098.3(CACNA1H):c.*16C>T

Gene: CACNA1H (calcium voltage-gated channel subunit alpha1 H; plus strand). Cytogenetic location: 16p13.3.
Variant type: single nucleotide variant.
Coding change: c.*16C>T on transcript NM_021098.3 (MANE Select); 16 bases downstream of the stop codon, C replaced by T.
Molecular consequence: 3 prime UTR variant.
Genome position (GRCh38, 1-based): chr16:1,221,010, C>T. VCF-style: chr16-1221010-C-T. GRCh37 (hg19) VCF-style: chr16-1271010-C-T.
Other names: c.*16C>T (NM_001005407.2).
Identifiers: ClinVar variation 3374919 (VCV003374919.1).

ClinVar aggregate classification (germline): Uncertain significance (1 of 4 stars; one submission).

gnomAD v4.1: 25 of 1,541,372 alleles (0.0016%); highest among the groups gnomAD compares: Admixed American, 0.0062%; no homozygotes.

Submission:

Women's Health and Genetics/Laboratory Corporation of America, LabCorp
Classification: Uncertain significance. Last evaluated: 2024-09-10. Review status: criteria provided, single submitter. Criteria: LabCorp Variant Classification Summary - May 2015. Collection method: clinical testing. Allele origin: germline.
Comment: Variant summary: CACNA1H c.*16C>T is located in the untranslated mRNA region downstream of the termination codon. The variant allele was found at a frequency of 1.8e-05 in 168348 control chromosomes. The available data on variant occurrences in the general population are insufficient to allow any conclusion about variant significance. To our knowledge, no occurrence of c.*16C>T in individuals affected with Idiopathic Generalized Epilepsy and no experimental evidence demonstrating its impact on protein function have been reported. No submitters have cited clinical-significance assessments for this variant to ClinVar. Based on the evidence outlined above, the variant was classified as uncertain significance.